The following is an entry in ClinVar:

ClinVar aggregate classification (germline): Likely pathogenic (1 of 4 stars; one submission).

Conditions:
CD55-related disorder. Also called: CD55-related condition.

Allele frequency attached by ClinVar (database versions not stated): gnomAD exomes below 0.00001.
gnomAD v4.1: 2 of 1,610,386 alleles (0.00012%); highest among the groups gnomAD compares: Non-Finnish European, 0.00017%; no homozygotes.

Submission:

PreventionGenetics, part of Exact Sciences
Classification: Likely pathogenic for CD55-related condition. Last evaluated: 2023-08-18. Review status: criteria provided, single submitter. Criteria: ACMG Guidelines, 2015. Collection method: clinical testing. Allele origin: germline.
Comment: The CD55 c.517C>T variant is predicted to result in premature protein termination (p.Gln173*). To our knowledge, this variant has not been reported in the literature. This variant is reported in 0.00088% of alleles in individuals of European (Non-Finnish) descent in gnomAD. Nonsense variants in CD55 are expected to be pathogenic. This variant is interpreted as likely pathogenic.

NM_000574.5(CD55):c.517C>T (p.Gln173Ter)

Gene: CD55 (CD55 molecule (Cromer blood group); plus strand). Cytogenetic location: 1q32.2.
Variant type: single nucleotide variant.
Coding change: c.517C>T on transcript NM_000574.5 (MANE Select); coding-DNA position 517, C replaced by T.
Protein change: p.Gln173Ter; replaces glutamine 173 with a stop codon.
Molecular consequence: nonsense. On other transcripts: non-coding transcript variant (1).
Genome position (GRCh38, 1-based): chr1:207,325,660, C>T. VCF-style: chr1-207325660-C-T. GRCh37 (hg19) VCF-style: chr1-207499005-C-T.
Other names: c.517C>T, p.Gln173Ter (NM_001114752.3, NM_001300902.2, NM_001300903.2 and 1 more transcripts); short protein forms Q173*.
Identifiers: ClinVar variation 2630974 (VCV002630974.1), dbSNP rs1458492476, ClinGen allele CA344516777.
Genomic context (GRCh38, chr1:207,325,660, plus strand): 5'-ATCAATTTGTATTCTATTCTAGAGAAATCATGCCCTAATCCGGGAGAAATACGAAATGGT[C>T]AGATTGATGTACCAGGTGGCATATTATTTGGTGCAACCATCTCCTTCTCATGTAACACAG-3'